The following is an entry in ClinVar:

ClinVar aggregate classification (germline): Uncertain significance (1 of 4 stars; one submission).

Conditions:
Hypertrophic cardiomyopathy. Also called: HYPERTROPHIC MYOCARDIOPATHY. Identifiers: Orphanet 217569, MedGen C0007194, MeSH D002312, MONDO:0005045, HP:0001639.

Submission:

Labcorp Genetics (formerly Invitae), Labcorp
Classification: Uncertain significance for Hypertrophic cardiomyopathy. Last evaluated: 2019-02-21. Review status: criteria provided, single submitter. Criteria: Invitae Variant Classification Sherloc (09022015). Collection method: clinical testing. Allele origin: germline.
Comment: In summary, the available evidence is currently insufficient to determine the role of this variant in disease. Therefore, it has been classified as a Variant of Uncertain Significance. Algorithms developed to predict the effect of missense changes on protein structure and function are either unavailable or do not agree on the potential impact of this missense change (SIFT: "Deleterious"; PolyPhen-2: "Probably Damaging"; Align-GVGD: "Class C0"). This variant has not been reported in the literature in individuals with MYH7-related conditions. This variant is not present in population databases (ExAC no frequency). This sequence change replaces glutamine with proline at codon 1215 of the MYH7 protein (p.Gln1215Pro). The glutamine residue is highly conserved and there is a moderate physicochemical difference between glutamine and proline.

NM_000257.4(MYH7):c.3644A>C (p.Gln1215Pro)

Gene: MYH7 (myosin heavy chain 7; minus strand). Cytogenetic location: 14q11.2.
Variant type: single nucleotide variant.
Coding change: c.3644A>C on transcript NM_000257.4 (MANE Select); coding-DNA position 3644, A replaced by C.
Protein change: p.Gln1215Pro; replaces glutamine 1215 with proline.
Molecular consequence: missense variant.
Genome position (GRCh38, 1-based): chr14:23,419,927, T>G on the plus strand (A>C on the coding strand, the complement: MYH7 is on the minus strand). VCF-style: chr14-23419927-T-G. GRCh37 (hg19) VCF-style: chr14-23889136-T-G.
Other names: short protein forms Q1215P.
Identifiers: ClinVar variation 834804 (VCV000834804.9), dbSNP rs915081927, ClinGen allele CA389043191.